The following is an entry in ClinVar:

ClinVar aggregate classification (germline): Likely benign. Review status: reviewed by expert panel (3 of 4 stars). 4 submissions from 4 submitters: Likely benign (1). 3 of the submissions do not count toward it. Last evaluated 2017-06-29.

Conditions:
Hereditary cancer-predisposing syndrome. Also called: Hereditary neoplastic syndrome; Hereditary Cancer Syndrome; Neoplastic Syndromes, Hereditary; Tumor predisposition. Identifiers: Orphanet 140162, MedGen C0027672, MeSH D009386, MONDO:0015356.
Breast-ovarian cancer, familial, susceptibility to, 2 (BROVCA2). Also called: BRCA2 Hereditary Breast and Ovarian Cancer. Identifiers: Orphanet 145, MedGen C2675520, MONDO:0012933, OMIM 612555. Disease mechanism: loss of function.
Hereditary breast ovarian cancer syndrome. Also called: Hereditary breast and ovarian cancer syndrome; BRCA1- and BRCA2-Associated Hereditary Breast and Ovarian Cancer; Hereditary breast and/or ovarian cancer syndrome; Hereditary breast and ovarian cancer; Breast and ovarian cancer; Hereditary breast and ovarian cancer syndrome (HBOC). Identifiers: Orphanet 145, MedGen C0677776, MeSH D061325, MONDO:0003582. Disease mechanism: loss of function.

Allele frequency attached by ClinVar (database versions not stated): gnomAD exomes below 0.00001; ExAC 0.00001; gnomAD 0.00001.
gnomAD v4.1: 2 of 1,611,796 alleles (0.00012%); highest among the groups gnomAD compares: Non-Finnish European, 0.00017%; no homozygotes.

Submissions (4):

Evidence-based Network for the Interpretation of Germline Mutant Alleles (ENIGMA)
Classification: Likely benign for Breast-ovarian cancer, familial, susceptibility to, 2. Last evaluated: 2017-06-29. Review status: reviewed by expert panel. Criteria: ENIGMA BRCA1/2 Classification Criteria (2017-06-29). Collection method: curation. Allele origin: germline.
Comment: Synonymous substitution variant, with low bioinformatic likelihood to result in a splicing aberration (Splicing prior probability 0.02).

Labcorp Genetics (formerly Invitae), Labcorp
Classification: Likely benign for Hereditary breast ovarian cancer syndrome. Last evaluated: 2024-02-17. Review status: criteria provided, single submitter. Criteria: Invitae Variant Classification Sherloc (09022015). Collection method: clinical testing. Allele origin: germline. Not counted in ClinVar's aggregate classification.

Ambry Genetics
Classification: Likely benign for Hereditary cancer-predisposing syndrome. Last evaluated: 2023-11-17. Review status: criteria provided, single submitter. Criteria: Ambry Variant Classification Scheme 2023. Collection method: clinical testing. Allele origin: germline. Not counted in ClinVar's aggregate classification.

Color Diagnostics, LLC DBA Color Health
Classification: Likely benign for Hereditary cancer-predisposing syndrome. Last evaluated: 2018-05-22. Review status: criteria provided, single submitter. Criteria: ACMG Guidelines, 2015. Collection method: clinical testing. Allele origin: germline. Not counted in ClinVar's aggregate classification.

NM_000059.4(BRCA2):c.1347T>C (p.Ile449=)

Gene: BRCA2 (BRCA2 DNA repair associated; plus strand). Cytogenetic location: 13q13.1.
Variant type: single nucleotide variant.
Coding change: c.1347T>C on transcript NM_000059.4 (MANE Select); coding-DNA position 1347, T replaced by C.
Protein change: p.Ile449=; no amino-acid change (isoleucine 449 retained).
Molecular consequence: synonymous variant.
Genome position (GRCh38, 1-based): chr13:32,332,825, T>C. VCF-style: chr13-32332825-T-C. GRCh37 (hg19) VCF-style: chr13-32906962-T-C.
Identifiers: ClinVar variation 427446 (VCV000427446.16), dbSNP rs755908353, ClinGen allele CA6940509.